The following is an entry in ClinVar:

NM_000744.7(CHRNA4):c.383+378A>G

Genes: CHRNA4 (cholinergic receptor nicotinic alpha 4 subunit; minus strand), LOC126863087 (P300/CBP strongly-dependent group 1 enhancer GRCh37_chr20:61986832-61988031; plus strand). Cytogenetic location: 20q13.33.
Variant type: single nucleotide variant.
Coding change: c.383+378A>G on transcript NM_000744.7 (MANE Select); 378 bases into the intron after coding-DNA position 383, A replaced by G.
Molecular consequence: intron variant.
Genome position (GRCh38, 1-based): chr20:63,355,597, T>C on the plus strand (A>G on the coding strand, the complement: CHRNA4 is on the minus strand). VCF-style: chr20-63355597-T-C. GRCh37 (hg19) VCF-style: chr20-61986949-T-C.
Other names: c.-146+360A>G (NM_001256573.2).
Identifiers: ClinVar variation 3255299 (VCV003255299.3), dbSNP rs2273500.

ClinVar aggregate classification (germline): Benign. Review status: criteria provided, multiple submitters, no conflicts (2 of 4 stars). 2 submissions from 2 submitters: Benign (2). Last evaluated 2024-07-15.

Allele frequency attached by ClinVar (database versions not stated): TOPMed 0.14711; gnomAD exomes 0.15525; gnomAD 0.16004; 1000 Genomes Project 30x 0.17458; 1000 Genomes Project 0.17752; ExAC 0.23678.
gnomAD v4.1: 203,660 of 1,305,208 alleles (16%); highest among the groups gnomAD compares: South Asian, 29%; 17,164 homozygotes.

Submissions (2):

Unidad de Genómica Garrahan, Hospital de Pediatría Garrahan
Classification: Benign. Last evaluated: 2024-07-15. Review status: criteria provided, single submitter. Criteria: ACMG Guidelines, 2015. Collection method: clinical testing. Allele origin: germline. Affected: no. Observed: 27 variant alleles.
Comment: This variant is classified as Benign based on local population frequency. This variant was detected in 29% of patients studied in a panel designed for Epileptic and Developmental Encephalopathy and Progressive Myoclonus Epilepsy. Number of patients: 27. Only high quality variants are reported.

Blueprint Genetics
Classification: Benign. Last evaluated: 2023-03-28. Review status: criteria provided, single submitter. Criteria: ACMG Guidelines, 2015. Collection method: clinical testing. Allele origin: germline.